The following is an entry in ClinVar:

NM_004385.5(VCAN):c.9584G>A (p.Arg3195Gln)

Genes: VCAN (versican; plus strand), VCAN-AS1 (VCAN antisense RNA 1; minus strand). Cytogenetic location: 5q14.3.
Variant type: single nucleotide variant.
Coding change: c.9584G>A on transcript NM_004385.5 (MANE Select); coding-DNA position 9584, G replaced by A.
Protein change: p.Arg3195Gln; replaces arginine 3195 with glutamine.
Molecular consequence: missense variant.
Genome position (GRCh38, 1-based): chr5:83,553,454, G>A. VCF-style: chr5-83553454-G-A. GRCh37 (hg19) VCF-style: chr5-82849273-G-A.
Other names: c.1361G>A, p.Arg454Gln (NM_001126336.3); c.6623G>A, p.Arg2208Gln (NM_001164097.2); c.4322G>A, p.Arg1441Gln (NM_001164098.2); short protein forms R454Q, R1441Q, R3195Q, R2208Q.
Identifiers: ClinVar variation 4695030 (VCV004695030.2).

ClinVar aggregate classification (germline): Uncertain significance. Review status: criteria provided, multiple submitters, no conflicts (2 of 4 stars). 2 submissions from 2 submitters: Uncertain significance (2). Last evaluated 2025-12-08.

gnomAD v4.1: 9 of 1,614,054 alleles (0.00056%); highest among the groups gnomAD compares: East Asian, 0.0045%; no homozygotes.

Submissions (2):

Labcorp Genetics (formerly Invitae), Labcorp
Classification: Uncertain significance. Last evaluated: 2025-12-08. Review status: criteria provided, single submitter. Criteria: Invitae Variant Classification Sherloc (09022015). Collection method: clinical testing. Allele origin: germline.
Comment: This sequence change replaces arginine, which is basic and polar, with glutamine, which is neutral and polar, at codon 3195 of the VCAN protein (p.Arg3195Gln). This variant is present in population databases (rs145625752, gnomAD 0.007%). This variant has not been reported in the literature in individuals affected with VCAN-related conditions. An algorithm developed to predict the effect of missense changes on protein structure and function (PolyPhen-2) suggests that this variant is likely to be disruptive. In summary, the available evidence is currently insufficient to determine the role of this variant in disease. Therefore, it has been classified as a Variant of Uncertain Significance.

Blueprint Genetics
Classification: Uncertain significance. Last evaluated: 2022-07-06. Review status: criteria provided, single submitter. Criteria: ACMG Guidelines, 2015. Collection method: clinical testing. Allele origin: germline.